The following is an entry in ClinVar:

NM_005026.5(PIK3CD):c.1085A>T (p.Glu362Val)

Genes: PIK3CD (phosphatidylinositol-4,5-bisphosphate 3-kinase catalytic subunit delta; plus strand), LOC126805612 (MED14-independent group 3 enhancer GRCh37_chr1:9778914-9780113; plus strand). Cytogenetic location: 1p36.22.
Variant type: single nucleotide variant.
Coding change: c.1085A>T on transcript NM_005026.5 (MANE Select); coding-DNA position 1085, A replaced by T.
Protein change: p.Glu362Val; replaces glutamic acid 362 with valine.
Molecular consequence: missense variant.
Genome position (GRCh38, 1-based): chr1:9,718,758, A>T. VCF-style: chr1-9718758-A-T. GRCh37 (hg19) VCF-style: chr1-9778816-A-T.
Other names: c.1085A>T, p.Glu362Val (NM_001350234.2); c.998A>T, p.Glu333Val (NM_001350235.1); short protein forms E333V, E362V.
Identifiers: ClinVar variation 1407956 (VCV001407956.6), dbSNP rs1647979472, ClinGen allele CA338302070.

ClinVar aggregate classification (germline): Uncertain significance (1 of 4 stars; one submission).

Conditions:
Immunodeficiency 14 (IMD14A). Also called: ACTIVATED PI3K-DELTA SYNDROME 1; Activated PI3K Delta Syndrome Type 1 (APDS1); p110-DELTA-ACTIVATING MUTATION CAUSING SENESCENT T CELLS, LYMPHADENOPATHY, AND IMMUNODEFICIENCY; IMMUNODEFICIENCY 14A WITH LYMPHOPROLIFERATION, AUTOSOMAL DOMINANT. Identifiers: Orphanet 397596, Orphanet 693661, MedGen C5907821, MONDO:0014222, OMIM 615513.

Allele frequency attached by ClinVar (database versions not stated): TOPMed 0.00001.

Submission:

Labcorp Genetics (formerly Invitae), Labcorp
Classification: Uncertain significance for Activated PI3K-delta syndrome. Last evaluated: 2025-06-22. Review status: criteria provided, single submitter. Criteria: Invitae Variant Classification Sherloc (09022015). Collection method: clinical testing. Allele origin: germline.
Comment: This sequence change replaces glutamic acid, which is acidic and polar, with valine, which is neutral and non-polar, at codon 362 of the PIK3CD protein (p.Glu362Val). This variant is not present in population databases (gnomAD no frequency). This variant has not been reported in the literature in individuals affected with PIK3CD-related conditions. ClinVar contains an entry for this variant (Variation ID: 1407956). Invitae Evidence Modeling of protein sequence and biophysical properties (such as structural, functional, and spatial information, amino acid conservation, physicochemical variation, residue mobility, and thermodynamic stability) indicates that this missense variant is expected to disrupt PIK3CD protein function with a positive predictive value of 80%. In summary, the available evidence is currently insufficient to determine the role of this variant in disease. Therefore, it has been classified as a Variant of Uncertain Significance.